The following is an entry in ClinVar:

NM_194248.3(OTOF):c.1037C>A (p.Ser346Ter)

Gene: OTOF (otoferlin; minus strand). Cytogenetic location: 2p23.3.
Variant type: single nucleotide variant.
Coding change: c.1037C>A on transcript NM_194248.3 (MANE Select); coding-DNA position 1037, C replaced by A.
Protein change: p.Ser346Ter; replaces serine 346 with a stop codon.
Molecular consequence: nonsense.
Genome position (GRCh38, 1-based): chr2:26,489,219, G>T on the plus strand (C>A on the coding strand, the complement: OTOF is on the minus strand). VCF-style: chr2-26489219-G-T. GRCh37 (hg19) VCF-style: chr2-26712087-G-T.
Other names: c.1037C>A, p.Ser346Ter (NM_001287489.2); short protein forms S346*.
Identifiers: ClinVar variation 2865276 (VCV002865276.3), dbSNP rs368947038, ClinGen allele CA346138037.
Genomic context (GRCh38, chr2:26,489,219, plus strand): 5'-CGCTCCCTGAGCCATGCACACCTCGACTGACTGGCCATGCGCAGGTACTCACCTGGCTGC[G>T]AGTACACGGTTCCCACGTCCATTTTGAAGGAGCCCACCAGGGTGCCACTGCGCAGCAGGT-3'

ClinVar aggregate classification (germline): Pathogenic (1 of 4 stars; one submission).

Submission:

Labcorp Genetics (formerly Invitae), Labcorp
Classification: Pathogenic. Last evaluated: 2023-06-01. Review status: criteria provided, single submitter. Criteria: Invitae Variant Classification Sherloc (09022015). Collection method: clinical testing. Allele origin: germline.
Comment: For these reasons, this variant has been classified as Pathogenic. This variant has not been reported in the literature in individuals affected with OTOF-related conditions. This variant is not present in population databases (gnomAD no frequency). This sequence change creates a premature translational stop signal (p.Ser346*) in the OTOF gene. It is expected to result in an absent or disrupted protein product. Loss-of-function variants in OTOF are known to be pathogenic (PMID: 18381613, 19250381, 22575033).

Literature cited by the submitters: PubMed 18381613; PubMed 19250381; PubMed 22575033.